The following is an entry in ClinVar:

NM_004519.4(KCNQ3):c.1066G>T (p.Ala356Ser)

Gene: KCNQ3 (potassium voltage-gated channel subfamily Q member 3; minus strand). Cytogenetic location: 8q24.22.
Variant type: single nucleotide variant.
Coding change: c.1066G>T on transcript NM_004519.4 (MANE Select); coding-DNA position 1066, G replaced by T.
Protein change: p.Ala356Ser; replaces alanine 356 with serine.
Molecular consequence: missense variant.
Genome position (GRCh38, 1-based): chr8:132,172,672, C>A on the plus strand (G>T on the coding strand, the complement: KCNQ3 is on the minus strand). VCF-style: chr8-132172672-C-A. GRCh37 (hg19) VCF-style: chr8-133184919-C-A.
Other names: c.706G>T, p.Ala236Ser (NM_001204824.2); short protein forms A236S, A356S.
Identifiers: ClinVar variation 4085163 (VCV004085163.8).

ClinVar aggregate classification (germline): Likely pathogenic (1 of 4 stars; one submission).

Submission:

CeGaT Center for Human Genetics Tuebingen
Classification: Likely pathogenic. Last evaluated: 2025-06-01. Review status: criteria provided, single submitter. Criteria: CeGaT Center For Human Genetics Tuebingen Variant Classification Criteria Version 2. Collection method: clinical testing. Allele origin: germline. Affected: yes. Observed: 1 variant allele.
Comment: KCNQ3: PM2, PM5, PP2, PP3